The following is an entry in ClinVar:

ClinVar aggregate classification (germline): Uncertain significance. Review status: criteria provided, multiple submitters, no conflicts (2 of 4 stars). 2 submissions from 2 submitters: Uncertain significance (2). Last evaluated 2024-02-22.

Conditions:
Hereditary cancer-predisposing syndrome. Also called: Neoplastic Syndromes, Hereditary; Tumor predisposition; Hereditary Cancer Syndrome; Hereditary neoplastic syndrome. Identifiers: Orphanet 140162, MedGen C0027672, MeSH D009386, MONDO:0015356.
Ataxia-telangiectasia syndrome (AT). Also called: ATAXIA-TELANGIECTASIA, COMPLEMENTATION GROUP A; ATAXIA-TELANGIECTASIA, FRESNO VARIANT; Ataxia-telangiectasia; Ataxia-telangiectasia, complementation group D; AT, COMPLEMENTATION GROUP C; Ataxia-telangiectasia, complementation group E. Identifiers: Orphanet 100, MedGen C0004135, MONDO:0008840, OMIM 208900.

Submissions (2):

Ambry Genetics
Classification: Uncertain significance for Hereditary cancer-predisposing syndrome. Last evaluated: 2024-02-22. Review status: criteria provided, single submitter. Criteria: Ambry Variant Classification Scheme 2023. Collection method: clinical testing. Allele origin: germline.
Comment: The p.M660K variant (also known as c.1979T>A), located in coding exon 12 of the ATM gene, results from a T to A substitution at nucleotide position 1979. The methionine at codon 660 is replaced by lysine, an amino acid with similar properties. This amino acid position is conserved. In addition, the in silico prediction for this alteration is inconclusive. Based on the available evidence, the clinical significance of this alteration remains unclear.

Labcorp Genetics (formerly Invitae), Labcorp
Classification: Uncertain significance for Ataxia-telangiectasia syndrome. Last evaluated: 2021-02-18. Review status: criteria provided, single submitter. Criteria: Invitae Variant Classification Sherloc (09022015). Collection method: clinical testing. Allele origin: germline.
Comment: In summary, the available evidence is currently insufficient to determine the role of this variant in disease. Therefore, it has been classified as a Variant of Uncertain Significance. Algorithms developed to predict the effect of missense changes on protein structure and function (SIFT, PolyPhen-2, Align-GVGD) all suggest that this variant is likely to be tolerated, but these predictions have not been confirmed by published functional studies and their clinical significance is uncertain. This sequence change replaces methionine with lysine at codon 660 of the ATM protein (p.Met660Lys). The methionine residue is moderately conserved and there is a moderate physicochemical difference between methionine and lysine. This variant is not present in population databases (ExAC no frequency). This variant has not been reported in the literature in individuals with ATM-related disease.

NM_000051.4(ATM):c.1979T>A (p.Met660Lys)

Gene: ATM (ATM serine/threonine kinase; plus strand). Cytogenetic location: 11q22.3.
Variant type: single nucleotide variant.
Coding change: c.1979T>A on transcript NM_000051.4 (MANE Select); coding-DNA position 1979, T replaced by A.
Protein change: p.Met660Lys; replaces methionine 660 with lysine.
Molecular consequence: missense variant.
Genome position (GRCh38, 1-based): chr11:108,253,894, T>A. VCF-style: chr11-108253894-T-A. GRCh37 (hg19) VCF-style: chr11-108124621-T-A.
Other names: c.1979T>A, p.Met660Lys (NM_001351834.2); short protein forms M660K.
Identifiers: ClinVar variation 524286 (VCV000524286.8), dbSNP rs1298234172, ClinGen allele CA382536866.
Genomic context (GRCh38, chr11:108,253,894, plus strand): 5'-AAGAAGAACTTTCATTCTCAGAAGTAGAAGAACTATTTCTTCAGACAACTTTTGACAAGA[T>A]GGACTTTTTAACCATTGTGAGAGAATGTGGTATAGAAAAGCACCAGTCCAGTATTGGCTT-3'
Protein context (NP_000042.3, residues 650-670): ELFLQTTFDK[Met660Lys]DFLTIVRECG